The following is an entry in ClinVar:

NM_017882.3(CLN6):c.721A>C (p.Met241Leu)

Gene: CLN6 (CLN6 transmembrane ER protein; minus strand). Cytogenetic location: 15q23.
Variant type: single nucleotide variant.
Coding change: c.721A>C on transcript NM_017882.3 (MANE Select); coding-DNA position 721, A replaced by C.
Protein change: p.Met241Leu; replaces methionine 241 with leucine.
Molecular consequence: missense variant.
Genome position (GRCh38, 1-based): chr15:68,208,355, T>G on the plus strand (A>C on the coding strand, the complement: CLN6 is on the minus strand). VCF-style: chr15-68208355-T-G. GRCh37 (hg19) VCF-style: chr15-68500693-T-G.
Other names: c.817A>C, p.Met273Leu (NM_001411068.1); short protein forms M241L, M273L.
Identifiers: ClinVar variation 4293794 (VCV004293794.1).

ClinVar aggregate classification (germline): Uncertain significance (1 of 4 stars; one submission).

Conditions:
CLN6-related disorder. Also called: CLN6-related condition.

Submission:

3billion
Classification: Uncertain significance for CLN6-related disorder. Last evaluated: 2024-12-24. Review status: criteria provided, single submitter. Criteria: ACMG Guidelines, 2015. Collection method: clinical testing. Allele origin: germline. Affected: yes.
Comment: The variant is not observed in the gnomAD v4.1.0 dataset. Predicted Consequence/Location: Missense variant. The majority of the known disease-causing variants of this gene are variants expected to result in premature termination of the protein. In silico tool predictions suggest damaging effect of the variant on gene or gene product [REVEL: 0.67 (>=0.6, sensitivity 0.68 and specificity 0.92); 3Cnet: 0.60 (>=0.6, sensitivity 0.72 and precision 0.9)]. Different missense changes at the same codon (p.Met241Ile, p.Met241Thr, p.Met241Val) have been reported as pathogenic/likely pathogenic with strong evidence (ClinVar ID: VCV000431958, VCV000595733, VCV002415022 /PMID: 12815591, 30528883, 30561534). Therefore, this variant is classified as VUS according to the recommendation of ACMG/AMP guideline.

Literature cited by the submitters: PubMed 12815591.